The following is an entry in ClinVar:

NM_000384.3(APOB):c.11569G>A (p.Val3857Met)

Gene: APOB (apolipoprotein B; minus strand). Cytogenetic location: 2p24.1.
Variant type: single nucleotide variant.
Coding change: c.11569G>A on transcript NM_000384.3 (MANE Select); coding-DNA position 11569, G replaced by A.
Protein change: p.Val3857Met; replaces valine 3857 with methionine.
Molecular consequence: missense variant.
Genome position (GRCh38, 1-based): chr2:21,005,299, C>T on the plus strand (G>A on the coding strand, the complement: APOB is on the minus strand). VCF-style: chr2-21005299-C-T. GRCh37 (hg19) VCF-style: chr2-21228171-C-T.
Other names: short protein forms V3857M.
Identifiers: ClinVar variation 924745 (VCV000924745.20), dbSNP rs145655926, ClinGen allele CA046898.

ClinVar aggregate classification (germline): Conflicting classifications of pathogenicity. Review status: criteria provided, conflicting classifications (1 of 4 stars). 8 submissions from 8 submitters: Uncertain significance (4); Likely benign (4). Last evaluated 2026-10-15.

Conditions:
Familial hypobetalipoproteinemia 1. Also called: Hypobetalipoproteinemia, normotriglyceridemic; Acanthocytosis with hypobetalipoproteinemia; APOB-Related Familial Hypobetalipoproteinemia. Identifiers: MedGen C4551990, MONDO:0014252, OMIM 615558.
Hypercholesterolemia, autosomal dominant, type B (FHCL2). Also called: Hyperlipoproteinemia Type IIb; APOB-Related Familial Hypercholesterolemia, Autosomal Dominant; Familial Hypercholesterolemia Type B; APOLIPOPROTEIN B-100, FAMILIAL DEFECTIVE; APOLIPOPROTEIN B-100, FAMILIAL LIGAND-DEFECTIVE; HYPERCHOLESTEROLEMIA, FAMILIAL, DUE TO LIGAND-DEFECTIVE APOLIPOPROTEIN B. Identifiers: MedGen C1704417, MONDO:0007751, OMIM 144010.
Familial hypercholesterolemia. Also called: Familial hypercholesterolaemia; Familial hypercholesterolemias. Identifiers: MedGen C0020445, MONDO:0005439.
Cardiovascular phenotype. Identifiers: MedGen CN230736.

Allele frequency attached by ClinVar (database versions not stated): gnomAD 0.00009 and 0.00012; ExAC 0.00010; TOPMed 0.00010; gnomAD exomes 0.00011; ESP Exome Variant Server 0.00023.
gnomAD v4.1: 103 of 1,614,024 alleles (0.0064%); highest among the groups gnomAD compares: Admixed American, 0.035%; no homozygotes.

Submissions (8):

Cambridge Genomics Laboratory, East Genomic Laboratory Hub, NHS Genomic Medicine Service
Classification: Uncertain significance for Familial hypercholesterolaemia. Last evaluated: 2026-10-15. Review status: criteria provided, single submitter. Criteria: ACGS Best Practice Guidelines for Variant Classification in Rare Disease 2020. Collection method: clinical testing. Allele origin: germline. Affected: yes.

CeGaT Center for Human Genetics Tuebingen
Classification: Likely benign. Last evaluated: 2025-11-01. Review status: criteria provided, single submitter. Criteria: CeGaT Center For Human Genetics Tuebingen Variant Classification Criteria Version 2. Collection method: clinical testing. Allele origin: germline. Affected: yes. Observed: 1 variant allele.
Comment: APOB: BP4

Labcorp Genetics (formerly Invitae), Labcorp
Classification: Likely benign for Familial hypobetalipoproteinemia 1; Hypercholesterolemia, autosomal dominant, type B. Last evaluated: 2025-08-31. Review status: criteria provided, single submitter. Criteria: Invitae Variant Classification Sherloc (09022015). Collection method: clinical testing. Allele origin: germline.

ARUP Laboratories, Molecular Genetics and Genomics, ARUP Laboratories
Classification: Uncertain significance. Last evaluated: 2023-12-15. Review status: criteria provided, single submitter. Criteria: ARUP Molecular Germline Variant Investigation Process 2024. Collection method: clinical testing. Allele origin: germline.
Comment: The APOB c.11569G>A; p.Val3857Met variant (rs145655926) is reported in the literature in one individual in an familial hypercholesterolemia cohort (Arrobas Velilla 2022). This variant is also reported in ClinVar (Variation ID: 924745). This variant is found in the general population with an overall allele frequency of 0.01% (31/282686 alleles) in the Genome Aggregation Database (v2.1.1). Computational analyses predict that this variant is neutral (REVEL: 0.063). Due to limited information, the clinical significance of this variant is uncertain at this time. References: Arrobas Velilla T et al. Implementation of a biochemical, clinical, and genetic screening programme for familial hypercholesterolemia in 26 centres in Spain: The ARIAN study. Front Genet. 2022 Aug 29;13:971651. PMID: 36105085.

Blueprint Genetics
Classification: Likely benign. Last evaluated: 2021-04-17. Review status: criteria provided, single submitter. Criteria: ACMG Guidelines, 2015. Collection method: clinical testing. Allele origin: germline.

Ambry Genetics
Classification: Likely benign for Cardiovascular phenotype. Last evaluated: 2019-08-26. Review status: criteria provided, single submitter. Criteria: Ambry Variant Classification Scheme 2023. Collection method: clinical testing. Allele origin: germline.

GeneDx
Classification: Uncertain significance. Last evaluated: 2019-07-23. Review status: criteria provided, single submitter. Criteria: GeneDx Variant Classification Process June 2021. Collection method: clinical testing. Allele origin: germline. Affected: yes.
Comment: Has not been previously published as pathogenic or benign to our knowledge; In silico analysis, which includes protein predictors and evolutionary conservation, supports that this variant does not alter protein structure/function

Neuberg Centre For Genomic Medicine, NCGM
Classification: Uncertain significance for Hypercholesterolemia, autosomal dominant, type B. Review status: criteria provided, single submitter. Criteria: ACMG Guidelines, 2015. Collection method: clinical testing. Allele origin: germline. Inheritance: Autosomal dominant inheritance. Affected: yes.
Comment: The missense c.11569G>A p.Val3857Met variant in APOB gene has not been reported previously as a pathogenic variant nor as a benign variant, to our knowledge. The p.Val3857Met variant is reported with an allele frequency of 0.01% in the gnomAD exomes database and is novel not in any individuals in 1000 Genomes database. This variant has been reported to the ClinVar database as Likely Benign / Uncertain Significance. The amino acid change p.Val3857Met in APOB is predicted as conserved by PhyloP across 100 vertebrates. The amino acid Val at position 3857 is changed to a Met changing protein sequence and it might alter its composition and physico-chemical properties. For these reasons, this variant has been classified as a Variant of Uncertain Significance VUS.